The following is an entry in ClinVar:

ClinVar aggregate classification (germline): Likely pathogenic (0 of 4 stars; one submission).

Conditions:
Glanzmann thrombasthenia 1 (GT1). Also called: BLEEDING DISORDER, PLATELET-TYPE, 2; GP IIb-IIIa COMPLEX DEFICIENCY; GLYCOPROTEIN COMPLEX IIb-IIIa DEFICIENCY; PLATELET FIBRINOGEN RECEPTOR DEFICIENCY. Identifiers: MedGen CN300358, MONDO:0031332, OMIM 273800.

Submission:

ISTH-SSC Genomics in Thrombosis and Hemostasis, KU Leuven, Center for Molecular and Vascular Biology
Classification: Likely pathogenic for Glanzmann thrombasthenia 1. Review status: no assertion criteria provided. Collection method: research. Allele origin: unknown. Affected: yes.
Comment: Submitted to GoldVariant by Harald Schulze from Institute of Experimental Biomedicine, University Hospital of Würzburg, Würzburg, Germany

NM_000419.4:c.(1210+1_1211-1)_(1878+1_1879-1)del

Gene: ITGA2B (integrin subunit alpha 2b; minus strand).
Variant type: Deletion.
Identifiers: ClinVar variation 1684423 (VCV001684423.1).